The following is an entry in ClinVar:

NM_001122630.2(CDKN1C):c.50G>C (p.Ser17Thr)

Gene: CDKN1C (cyclin dependent kinase inhibitor 1C; minus strand). Cytogenetic location: 11p15.4.
Variant type: single nucleotide variant.
Coding change: c.50G>C on transcript NM_001122630.2 (MANE Select); coding-DNA position 50, G replaced by C.
Protein change: p.Ser17Thr; replaces serine 17 with threonine.
Molecular consequence: missense variant.
Genome position (GRCh38, 1-based): chr11:2,885,407, C>G on the plus strand (G>C on the coding strand, the complement: CDKN1C is on the minus strand). VCF-style: chr11-2885407-C-G. GRCh37 (hg19) VCF-style: chr11-2906637-C-G.
Other names: c.83G>C, p.Ser28Thr (NM_000076.2, NM_001362474.2); c.50G>C, p.Ser17Thr (NM_001122631.2, NM_001362475.2); short protein forms S28T, S17T.
Identifiers: ClinVar variation 1045694 (VCV001045694.8), dbSNP rs1848980081, ClinGen allele CA379147841.

ClinVar aggregate classification (germline): Uncertain significance (1 of 4 stars; one submission).

Conditions:
Beckwith-Wiedemann syndrome (BWS). Also called: Exomphalos macroglossia gigantism syndrome; EMG SYNDROME. Identifiers: Orphanet 116, MedGen C0004903, MONDO:0007534, OMIM 130650.

Allele frequency attached by ClinVar (database versions not stated): gnomAD exomes below 0.00001.

Submission:

Labcorp Genetics (formerly Invitae), Labcorp
Classification: Uncertain significance for Beckwith-Wiedemann syndrome. Last evaluated: 2025-09-16. Review status: criteria provided, single submitter. Criteria: Invitae Variant Classification Sherloc (09022015). Collection method: clinical testing. Allele origin: germline.
Comment: This sequence change replaces serine, which is neutral and polar, with threonine, which is neutral and polar, at codon 28 of the CDKN1C protein (p.Ser28Thr). This variant is not present in population databases (gnomAD no frequency). This variant has not been reported in the literature in individuals affected with CDKN1C-related conditions. ClinVar contains an entry for this variant (Variation ID: 1045694). Invitae Evidence Modeling of protein sequence and biophysical properties (such as structural, functional, and spatial information, amino acid conservation, physicochemical variation, residue mobility, and thermodynamic stability) has been performed for this missense variant. However, the output from this modeling did not meet the statistical confidence thresholds required to predict the impact of this variant on CDKN1C protein function. In summary, the available evidence is currently insufficient to determine the role of this variant in disease. Therefore, it has been classified as a Variant of Uncertain Significance.